The following is an entry in ClinVar:

ClinVar aggregate classification (germline): Uncertain significance (1 of 4 stars; one submission).

Conditions:
Lymphoproliferative syndrome 2 (LPFS2). Also called: Combined immunodeficiency due to CD27 deficiency; CD27 DEFICIENCY. Identifiers: Orphanet 238505, MedGen C3554540, MONDO:0014054, OMIM 615122.

Allele frequency attached by ClinVar (database versions not stated): ExAC 0.00001; gnomAD exomes 0.00001; gnomAD 0.00003 and 0.00004; TOPMed 0.00006.
gnomAD v4.1: 16 of 1,603,956 alleles (0.001%); highest among the groups gnomAD compares: African/African-American, 0.0067%; no homozygotes.

Submission:

Labcorp Genetics (formerly Invitae), Labcorp
Classification: Uncertain significance for Lymphoproliferative syndrome 2. Last evaluated: 2024-11-04. Review status: criteria provided, single submitter. Criteria: Invitae Variant Classification Sherloc (09022015). Collection method: clinical testing. Allele origin: germline.
Comment: This sequence change replaces arginine, which is basic and polar, with tryptophan, which is neutral and slightly polar, at codon 3 of the CD27 protein (p.Arg3Trp). The frequency data for this variant in the population databases is considered unreliable, as metrics indicate poor data quality at this position in the gnomAD database. This variant has not been reported in the literature in individuals affected with CD27-related conditions. ClinVar contains an entry for this variant (Variation ID: 663095). An algorithm developed to predict the effect of missense changes on protein structure and function outputs the following: PolyPhen-2: "Benign". The tryptophan amino acid residue is found in multiple mammalian species, which suggests that this missense change does not adversely affect protein function. In summary, the available evidence is currently insufficient to determine the role of this variant in disease. Therefore, it has been classified as a Variant of Uncertain Significance.

NM_001242.5(CD27):c.7C>T (p.Arg3Trp)

Genes: CD27 (CD27 molecule; plus strand), CD27-AS1 (CD27 antisense RNA 1; minus strand). Cytogenetic location: 12p13.31.
Variant type: single nucleotide variant.
Coding change: c.7C>T on transcript NM_001242.5 (MANE Select); coding-DNA position 7, C replaced by T.
Protein change: p.Arg3Trp; replaces arginine 3 with tryptophan.
Molecular consequence: missense variant.
Genome position (GRCh38, 1-based): chr12:6,445,102, C>T. VCF-style: chr12-6445102-C-T. GRCh37 (hg19) VCF-style: chr12-6554268-C-T.
Other names: short protein forms R3W.
Identifiers: ClinVar variation 663095 (VCV000663095.8), dbSNP rs755775043, ClinGen allele CA6406852.